The following is an entry in ClinVar:

NM_006514.4(SCN10A):c.4285G>C (p.Gly1429Arg)

Gene: SCN10A (sodium voltage-gated channel alpha subunit 10; minus strand). Cytogenetic location: 3p22.2.
Variant type: single nucleotide variant.
Coding change: c.4285G>C on transcript NM_006514.4 (MANE Select); coding-DNA position 4285, G replaced by C.
Protein change: p.Gly1429Arg; replaces glycine 1429 with arginine.
Molecular consequence: missense variant.
Genome position (GRCh38, 1-based): chr3:38,707,380, C>G on the plus strand (G>C on the coding strand, the complement: SCN10A is on the minus strand). VCF-style: chr3-38707380-C-G. GRCh37 (hg19) VCF-style: chr3-38748871-C-G.
Other names: c.4282G>C, p.Gly1428Arg (NM_001293306.2); c.3991G>C, p.Gly1331Arg (NM_001293307.2); short protein forms G1331R, G1429R, G1428R.
Identifiers: ClinVar variation 4781735 (VCV004781735.1).
Genomic context (GRCh38, chr3:38,707,380, plus strand): 5'-ACTTCTTCATGGCATTGTAGTATTTCTTCTGCTCCTCTGTCATGAAGATGTCCTGGCCCC[C>G]TAAGTGCAGAGAGGGCCACACTGTTACTAAAGCAAGAGGAACCCCCTACGGATACCAAAA-3'
Protein context (NP_006505.4, residues 1419-1439): DNFNQQKKKL[Gly1429Arg]GQDIFMTEEQ

ClinVar aggregate classification (germline): Uncertain significance (1 of 4 stars; one submission).

Conditions:
Brugada syndrome. Also called: Sudden unexpected nocturnal death syndrome; Sudden Unexplained Death Syndrome; Sudden Unexplained Nocturnal Death Syndrome (SUNDS); Sudden unexplained nocturnal death syndrome. Identifiers: Orphanet 130, MedGen C1142166, MONDO:0015263.

gnomAD v4.1: 6 of 1,614,036 alleles (0.00037%); highest among the groups gnomAD compares: Non-Finnish European, 0.00051%; no homozygotes.

Submission:

Labcorp Genetics (formerly Invitae), Labcorp
Classification: Uncertain significance for Brugada syndrome. Last evaluated: 2025-03-15. Review status: criteria provided, single submitter. Criteria: Invitae Variant Classification Sherloc (09022015). Collection method: clinical testing. Allele origin: germline.
Comment: This sequence change replaces glycine, which is neutral and non-polar, with arginine, which is basic and polar, at codon 1429 of the SCN10A protein (p.Gly1429Arg). This variant is present in population databases (rs750853186, gnomAD 0.0009%). This variant has not been reported in the literature in individuals affected with SCN10A-related conditions. Invitae Evidence Modeling of protein sequence and biophysical properties (such as structural, functional, and spatial information, amino acid conservation, physicochemical variation, residue mobility, and thermodynamic stability) indicates that this missense variant is not expected to disrupt SCN10A protein function with a negative predictive value of 80%. Algorithms developed to predict the effect of sequence changes on RNA splicing suggest that this variant may create or strengthen a splice site. In summary, the available evidence is currently insufficient to determine the role of this variant in disease. Therefore, it has been classified as a Variant of Uncertain Significance.